The following is an entry in ClinVar:

ClinVar aggregate classification (germline): Likely benign (0 of 4 stars; one submission).

Conditions:
SLC22A18-related disorder. Also called: SLC22A18-related condition.

Allele frequency attached by ClinVar (database versions not stated): gnomAD exomes 0.00016; ExAC 0.00043; 1000 Genomes Project 0.00120; TOPMed 0.00130; gnomAD 0.00140; ESP Exome Variant Server 0.00154; 1000 Genomes Project 30x 0.00156.
gnomAD v4.1: 447 of 1,613,100 alleles (0.028%); highest among the groups gnomAD compares: African/African-American, 0.48%; no homozygotes.

Submission:

PreventionGenetics, part of Exact Sciences
Classification: Likely benign for SLC22A18-related condition. Last evaluated: 2022-08-29. Review status: no assertion criteria provided. Collection method: clinical testing. Allele origin: germline.
Comment: This variant is classified as likely benign based on ACMG/AMP sequence variant interpretation guidelines (Richards et al. 2015 PMID: 25741868, with internal and published modifications).

NM_002555.6(SLC67A1):c.610G>A (p.Ala204Thr)

Gene: SLC67A1 (solute carrier family 67 member 1; plus strand). Cytogenetic location: 11p15.4.
Variant type: single nucleotide variant.
Coding change: c.610G>A on transcript NM_002555.6 (MANE Select); coding-DNA position 610, G replaced by A.
Protein change: p.Ala204Thr; replaces alanine 204 with threonine.
Molecular consequence: missense variant.
Genome position (GRCh38, 1-based): chr11:2,916,695, G>A. VCF-style: chr11-2916695-G-A. GRCh37 (hg19) VCF-style: chr11-2937925-G-A.
Other names: c.865G>A, p.Ala289Thr (NM_001315501.2); c.316G>A, p.Ala106Thr (NM_001315502.2); c.610G>A, p.Ala204Thr (NM_183233.3); short protein forms A106T, A204T, A289T.
Identifiers: ClinVar variation 3049607 (VCV003049607.2), dbSNP rs115166011, ClinGen allele CA5822562.